The following is an entry in ClinVar:

NM_016247.4(IMPG2):c.3056G>A (p.Cys1019Tyr)

Gene: IMPG2 (interphotoreceptor matrix proteoglycan 2; minus strand). Cytogenetic location: 3q12.3.
Variant type: single nucleotide variant.
Coding change: c.3056G>A on transcript NM_016247.4 (MANE Select); coding-DNA position 3056, G replaced by A.
Protein change: p.Cys1019Tyr; replaces cysteine 1019 with tyrosine.
Molecular consequence: missense variant.
Genome position (GRCh38, 1-based): chr3:101,232,958, C>T on the plus strand (G>A on the coding strand, the complement: IMPG2 is on the minus strand). VCF-style: chr3-101232958-C-T. GRCh37 (hg19) VCF-style: chr3-100951802-C-T.
Other names: short protein forms C1019Y.
Identifiers: ClinVar variation 1055833 (VCV001055833.8), dbSNP rs2107208112, ClinGen allele CA353850688.

ClinVar aggregate classification (germline): Conflicting classifications of pathogenicity. Review status: criteria provided, conflicting classifications (1 of 4 stars). 2 submissions from 2 submitters: Likely pathogenic (1); Uncertain significance (1). Last evaluated 2024-08-24.

Conditions:
IMPG2-related disorders.

Allele frequency attached by ClinVar (database versions not stated): gnomAD exomes below 0.00001.
gnomAD v4.1: 6 of 1,614,078 alleles (0.00037%); highest among the groups gnomAD compares: Non-Finnish European, 0.00051%; no homozygotes.

Submissions (2):

Blueprint Genetics
Classification: Likely pathogenic for IMPG2-related disorders. Last evaluated: 2024-08-24. Review status: criteria provided, single submitter. Criteria: ACMG Guidelines, 2015. Collection method: clinical testing. Allele origin: germline. Affected: yes. Observed: 4 variant alleles.

Labcorp Genetics (formerly Invitae), Labcorp
Classification: Uncertain significance. Last evaluated: 2022-06-09. Review status: criteria provided, single submitter. Criteria: Invitae Variant Classification Sherloc (09022015). Collection method: clinical testing. Allele origin: germline.
Comment: In summary, the available evidence is currently insufficient to determine the role of this variant in disease. Therefore, it has been classified as a Variant of Uncertain Significance. Algorithms developed to predict the effect of missense changes on protein structure and function (SIFT, PolyPhen-2, Align-GVGD) all suggest that this variant is likely to be disruptive. ClinVar contains an entry for this variant (Variation ID: 1055833). This missense change has been observed in individual(s) with autosomal recessive inherited retinal disease and/or retinitis pigmentosa (PMID: 27160483; Invitae). This variant is not present in population databases (gnomAD no frequency). This sequence change replaces cysteine, which is neutral and slightly polar, with tyrosine, which is neutral and polar, at codon 1019 of the IMPG2 protein (p.Cys1019Tyr).

Literature cited by the submitters: PubMed 27160483 (cited by Labcorp Genetics (formerly Invitae), Labcorp).